The following is an entry in ClinVar:

ClinVar aggregate classification (germline): Pathogenic/Likely pathogenic. Review status: criteria provided, multiple submitters, no conflicts (2 of 4 stars). 3 submissions from 3 submitters: Pathogenic (2); Likely pathogenic (1). Last evaluated 2025-12-03.

Conditions:
Glycogen storage disease, type II (IOPD). Also called: Glycogen storage disease type 2; Acid maltase deficiency disease; Aglucosidase alfa; Deficiency of alpha-glucosidase; Deficiency of lysosomal alpha-glucosidase; CARDIOMEGALIA GLYCOGENICA DIFFUSA. Identifiers: Orphanet 365, MedGen C0017921, MONDO:0009290, OMIM 232300.

Submissions (3):

Natera, Inc.
Classification: Likely pathogenic for Glycogen storage disease type II. Last evaluated: 2025-12-03. Review status: criteria provided, single submitter. Criteria: Natera Variant Classification Schema (03/2026). Collection method: clinical testing. Allele origin: germline.
Comment: The c.967C>T variant in GAA is a nonsense variant predicted to introduce a stop codon at amino acid 323. This variant is expected to result in nonsense mediated decay, truncation, or a dysfunctional protein product. This variant is rare in the general population with a frequency below the threshold expected for the associated phenotype(s). Given the available evidence, this variant is classified as Likely Pathogenic.

Myriad Genetics, Inc.
Classification: Pathogenic for Glycogen storage disease, type II. Last evaluated: 2023-08-30. Review status: criteria provided, single submitter. Criteria: Myriad Autosomal Dominant, Autosomal Recessive and X-Linked Classification Criteria (2023). Collection method: clinical testing. Allele origin: unknown.
Comment: NM_000152.3(GAA):c.967C>T(Q323*) is expected to be pathogenic in the context of Pompe disease. This variant is predicted to lead to an abnormal or absent protein product due to the creation of a premature termination codon in GAA, a gene where loss-of-function variants are known to be pathogenic. Please note: this variant was assessed in the context of healthy population screening.

Labcorp Genetics (formerly Invitae), Labcorp
Classification: Pathogenic for Glycogen storage disease, type II. Last evaluated: 2023-02-23. Review status: criteria provided, single submitter. Criteria: Invitae Variant Classification Sherloc (09022015). Collection method: clinical testing. Allele origin: germline.
Comment: For these reasons, this variant has been classified as Pathogenic. Experimental studies have shown that this premature translational stop signal affects GAA function (PMID: 28592009). Algorithms developed to predict the effect of variants on protein structure and function are not available or were not evaluated for this variant. This premature translational stop signal has been observed in individual(s) with late-onset glycogen storage disease type II (PMID: 28592009). This variant is not present in population databases (gnomAD no frequency). This sequence change creates a premature translational stop signal (p.Gln323*) in the GAA gene. It is expected to result in an absent or disrupted protein product. Loss-of-function variants in GAA are known to be pathogenic (PMID: 18425781, 22252923).

Literature cited by the submitters: PubMed 28592009 (cited by Labcorp Genetics (formerly Invitae), Labcorp); PubMed 18425781 (cited by Labcorp Genetics (formerly Invitae), Labcorp); PubMed 22252923 (cited by Labcorp Genetics (formerly Invitae), Labcorp).

NM_000152.5(GAA):c.967C>T (p.Gln323Ter)

Gene: GAA (alpha glucosidase; plus strand). Cytogenetic location: 17q25.3.
Variant type: single nucleotide variant.
Coding change: c.967C>T on transcript NM_000152.5 (MANE Select); coding-DNA position 967, C replaced by T.
Protein change: p.Gln323Ter; replaces glutamine 323 with a stop codon.
Molecular consequence: nonsense.
Genome position (GRCh38, 1-based): chr17:80,108,301, C>T. VCF-style: chr17-80108301-C-T. GRCh37 (hg19) VCF-style: chr17-78082100-C-T.
Other names: c.967C>T, p.Gln323Ter (NM_001079803.3, NM_001079804.3, NM_001406741.1 and 1 more transcripts); c.967C>T (NM_000152.4); short protein forms Q323*.
Identifiers: ClinVar variation 2910440 (VCV002910440.5), dbSNP rs2510361928, ClinGen allele CA401364399.